The following is an entry in ClinVar:

ClinVar aggregate classification (germline): Pathogenic/Likely pathogenic. Review status: criteria provided, multiple submitters, no conflicts (2 of 4 stars). 2 submissions from 2 submitters: Pathogenic (1); Likely pathogenic (1). Last evaluated 2024-08-16.

Conditions:
Familial X-linked hypophosphatemic vitamin D refractory rickets (XLHRD). Also called: HYPOPHOSPHATEMIC VITAMIN D-RESISTANT RICKETS; X-Linked Hypophosphatemia; Hypophosphatemia, vitamin D-resistant rickets; Vitamin D-resistant rickets, X-linked; Hypophosphatemic Rickets, X-Linked Dominant. Identifiers: Orphanet 89936, MedGen C0733682, MONDO:0010619, OMIM 307800.

Submissions (2):

3billion
Classification: Likely pathogenic for Familial X-linked hypophosphatemic vitamin D refractory rickets. Last evaluated: 2024-08-16. Review status: criteria provided, single submitter. Criteria: ACMG Guidelines, 2015. Collection method: clinical testing. Allele origin: germline. Affected: yes.
Comment: The variant is not observed in the gnomAD v4.0.0 dataset. Predicted Consequence/Location: Missense variant In silico tool predictions suggest damaging effect of the variant on gene or gene product [REVEL: 0.92 (>=0.6, sensitivity 0.68 and specificity 0.92); 3Cnet: 0.97 (>=0.6, sensitivity 0.72 and precision 0.9)]. The same nucleotide change resulting in the same amino acid change has been previously reported as pathogenic/likely pathogenic with strong evidence (ClinVar ID: VCV000950521 /PMID: 22101457). Therefore, this variant is classified as Likely pathogenic according to the recommendation of ACMG/AMP guideline.

Labcorp Genetics (formerly Invitae), Labcorp
Classification: Pathogenic. Last evaluated: 2024-07-01. Review status: criteria provided, single submitter. Criteria: Invitae Variant Classification Sherloc (09022015). Collection method: clinical testing. Allele origin: germline.
Comment: This sequence change replaces alanine, which is neutral and non-polar, with aspartic acid, which is acidic and polar, at codon 653 of the PHEX protein (p.Ala653Asp). This variant is not present in population databases (gnomAD no frequency). This missense change has been observed in individuals with clinical features of hypophosphatemic rickets (PMID: 22101457; Invitae). ClinVar contains an entry for this variant (Variation ID: 950521). Advanced modeling of protein sequence and biophysical properties (such as structural, functional, and spatial information, amino acid conservation, physicochemical variation, residue mobility, and thermodynamic stability) performed at Invitae indicates that this missense variant is expected to disrupt PHEX protein function with a positive predictive value of 95%. This variant disrupts the p.Ala653 amino acid residue in PHEX. Other variant(s) that disrupt this residue have been determined to be pathogenic (Invitae). This suggests that this residue is clinically significant, and that variants that disrupt this residue are likely to be disease-causing. For these reasons, this variant has been classified as Pathogenic.

Literature cited by the submitters: PubMed 22101457 (cited by 3billion and Labcorp Genetics (formerly Invitae), Labcorp).

NM_000444.6(PHEX):c.1958C>A (p.Ala653Asp)

Genes: PHEX (phosphate regulating endopeptidase X-linked; plus strand), PTCHD1-AS (PTCHD1 and PHEX antisense RNA; minus strand). Cytogenetic location: Xp22.11.
Variant type: single nucleotide variant.
Coding change: c.1958C>A on transcript NM_000444.6 (MANE Select); coding-DNA position 1958, C replaced by A.
Protein change: p.Ala653Asp; replaces alanine 653 with aspartic acid.
Molecular consequence: missense variant.
Genome position (GRCh38, 1-based): chrX:22,226,501, C>A. VCF-style: chrX-22226501-C-A. GRCh37 (hg19) VCF-style: chrX-22244618-C-A.
Other names: c.1958C>A, p.Ala653Asp (NM_001282754.2); short protein forms A653D.
Identifiers: ClinVar variation 950521 (VCV000950521.10), dbSNP rs1935508775, ClinGen allele CA412574249.